The following is an entry in ClinVar:

ClinVar aggregate classification (germline): Uncertain significance. Review status: criteria provided, multiple submitters, no conflicts (2 of 4 stars). 4 submissions from 4 submitters: Uncertain significance (4). Last evaluated 2025-06-19.

Conditions:
Hereditary nonpolyposis colorectal neoplasms. Identifiers: MedGen C0009405, MeSH D003123.
Hereditary cancer-predisposing syndrome. Also called: Neoplastic Syndromes, Hereditary; Tumor predisposition; Hereditary Cancer Syndrome; Hereditary neoplastic syndrome. Identifiers: Orphanet 140162, MedGen C0027672, MeSH D009386, MONDO:0015356.

Submissions (4):

Labcorp Genetics (formerly Invitae), Labcorp
Classification: Uncertain significance for Hereditary nonpolyposis colorectal neoplasms. Last evaluated: 2025-06-19. Review status: criteria provided, single submitter. Criteria: Invitae Variant Classification Sherloc (09022015). Collection method: clinical testing. Allele origin: germline.
Comment: This sequence change replaces cysteine, which is neutral and slightly polar, with arginine, which is basic and polar, at codon 843 of the PMS2 protein (p.Cys843Arg). The frequency data for this variant in the population databases (gnomAD) is considered unreliable due to the presence of homologous sequence, such as pseudogenes or paralogs, in the genome. This variant has not been reported in the literature in individuals affected with PMS2-related conditions. ClinVar contains an entry for this variant (Variation ID: 525679). Invitae Evidence Modeling incorporating data from in vitro experimental studies (internal data) indicates that this missense variant is expected to disrupt PMS2 function with a positive predictive value of 95%. In summary, the available evidence is currently insufficient to determine the role of this variant in disease. Therefore, it has been classified as a Variant of Uncertain Significance.

Ambry Genetics
Classification: Uncertain significance for Hereditary cancer-predisposing syndrome. Last evaluated: 2024-11-19. Review status: criteria provided, single submitter. Criteria: Ambry Variant Classification Scheme 2023. Collection method: clinical testing. Allele origin: germline.
Comment: The p.C843R variant (also known as c.2527T>C), located in coding exon 15 of the PMS2 gene, results from a T to C substitution at nucleotide position 2527. The cysteine at codon 843 is replaced by arginine, an amino acid with highly dissimilar properties. This amino acid position is highly conserved in available vertebrate species. In addition, this alteration is predicted to be deleterious by in silico analysis. Based on the available evidence, the clinical significance of this variant remains unclear.

Color Diagnostics, LLC DBA Color Health
Classification: Uncertain significance for Hereditary cancer-predisposing syndrome. Last evaluated: 2024-03-04. Review status: criteria provided, single submitter. Criteria: ACMG Guidelines, 2015. Collection method: clinical testing. Allele origin: germline.
Comment: This missense variant replaces cysteine with arginine at codon 843 of the PMS2 protein. Computational prediction suggests that this variant may have deleterious impact on protein structure and function (internally defined REVEL score threshold >= 0.7, PMID: 27666373). To our knowledge, functional studies have not been reported for this variant. This variant has not been reported in individuals affected with PMS2-related disorders in the literature. This variant has not been identified in the general population by the Genome Aggregation Database (gnomAD). The available evidence is insufficient to determine the role of this variant in disease conclusively. Therefore, this variant is classified as a Variant of Uncertain Significance.

Quest Diagnostics Nichols Institute San Juan Capistrano
Classification: Uncertain significance. Last evaluated: 2023-09-20. Review status: criteria provided, single submitter. Criteria: Quest Diagnostics criteria. Collection method: clinical testing. Allele origin: unknown.
Comment: This variant has not been reported in the published literature. It also has not been reported in large, multi-ethnic general populations (Genome Aggregation Database). Analysis of this variant using bioinformatics tools for the prediction of the effect of amino acid changes on protein structure and function yielded predictions that this variant is damaging. Based on the available information, we are unable to determine the clinical significance of this variant.

NM_000535.7(PMS2):c.2527T>C (p.Cys843Arg)

Gene: PMS2 (PMS1 homolog 2, mismatch repair system component; minus strand). Cytogenetic location: 7p22.1.
Variant type: single nucleotide variant.
Coding change: c.2527T>C on transcript NM_000535.7 (MANE Select); coding-DNA position 2527, T replaced by C.
Protein change: p.Cys843Arg; replaces cysteine 843 with arginine.
Molecular consequence: missense variant. On other transcripts: non-coding transcript variant (1).
Genome position (GRCh38, 1-based): chr7:5,973,461, A>G on the plus strand (T>C on the coding strand, the complement: PMS2 is on the minus strand). VCF-style: chr7-5973461-A-G. GRCh37 (hg19) VCF-style: chr7-6013092-A-G.
Other names: c.2527T>C (NM_000535.6); c.2122T>C, p.Cys708Arg (NM_001322003.2, NM_001322004.2, NM_001322005.2); c.2371T>C, p.Cys791Arg (NM_001322006.2); c.2209T>C, p.Cys737Arg (NM_001322007.2, NM_001322008.2); c.2155T>C, p.Cys719Arg (NM_001322009.2); c.1966T>C, p.Cys656Arg (NM_001322010.2); c.1594T>C, p.Cys532Arg (NM_001322011.2, NM_001322012.2); c.1954T>C, p.Cys652Arg (NM_001322013.2); and 2 more; short protein forms C843R, C656R, C719R, C854R, C708R, C737R, C532R, C652R.
Identifiers: ClinVar variation 525679 (VCV000525679.14), dbSNP rs1554292753, ClinGen allele CA366734863.
Genomic context (GRCh38, chr7:5,973,461, plus strand): 5'-AGTTCTGAGAAATGACACCCAGGTTGGCGATGTGTCTCATGGTTGGCCTTCCATGGGGAC[A>G]GTTCCAGGGGTGGTCCATCTCCCCCATGTGGGTGATCAGTTTCTTCATCTCGCTTGTGTT-3'
Protein context (NP_000526.2, residues 833-853): HMGEMDHPWN[Cys843Arg]PHGRPTMRHI